The following is an entry in ClinVar:

ClinVar aggregate classification (germline): Likely pathogenic (1 of 4 stars; one submission).

Conditions:
Lethal fetal cerebrorenogenitourinary agenesis/hypoplasia syndrome. Also called: Meckel syndrome 12. Identifiers: Orphanet 439897, MedGen C4015701, MONDO:0014552, OMIM 616258.
Microcephaly 20, primary, autosomal recessive. Identifiers: MedGen C4693572, MONDO:0054761, OMIM 617914.

Submission:

Juno Genomics, Hangzhou Juno Genomics, Inc
Classification: Likely pathogenic for Lethal fetal cerebrorenogenitourinary agenesis/hypoplasia syndrome; Microcephaly 20, primary, autosomal recessive. Review status: criteria provided, single submitter. Criteria: ACMG Guidelines, 2015. Collection method: clinical testing. Allele origin: germline.
Comment: Null variant in a gene where loss of function (LOF) is a known mechanism of disease.;Absent from controls (or at extremely low frequency if recessive) in Genome Aggregation Database.

NM_014875.3(KIF14):c.3887T>A (p.Leu1296Ter)

Gene: KIF14 (kinesin family member 14; minus strand). Cytogenetic location: 1q32.1.
Variant type: single nucleotide variant.
Coding change: c.3887T>A on transcript NM_014875.3 (MANE Select); coding-DNA position 3887, T replaced by A.
Protein change: p.Leu1296Ter; replaces leucine 1296 with a stop codon.
Molecular consequence: nonsense.
Genome position (GRCh38, 1-based): chr1:200,565,253, A>T on the plus strand (T>A on the coding strand, the complement: KIF14 is on the minus strand). VCF-style: chr1-200565253-A-T. GRCh37 (hg19) VCF-style: chr1-200534381-A-T.
Other names: c.2414T>A, p.Leu805Ter (NM_001305792.1); short protein forms L1296*, L805*.
Identifiers: ClinVar variation 5005553 (VCV005005553.2).